The following is an entry in ClinVar:

NM_001308093.3(GATA4):c.416C>T (p.Ala139Val)

Gene: GATA4 (GATA binding protein 4). Cytogenetic location: 8p23.1.
Variant type: single nucleotide variant.
Coding change: c.416C>T on transcript NM_001308093.3 (MANE Select); coding-DNA position 416, C replaced by T.
Protein change: p.Ala139Val; replaces alanine 139 with valine.
Molecular consequence: missense variant. On other transcripts: intron variant (3).
Genome position (GRCh38, 1-based): chr8:11,708,728, C>T. VCF-style: chr8-11708728-C-T. GRCh37 (hg19) VCF-style: chr8-11566237-C-T.
Other names: c.416C>T, p.Ala139Val (NM_002052.5); c.-6+7950C>T (NM_001308094.2); c.-3+714C>T (NM_001374274.1); c.-3+4424C>T (NM_001374273.1); short protein forms A139V.
Identifiers: ClinVar variation 2884178 (VCV002884178.3), dbSNP rs1368990933, ClinGen allele CA370309578.

ClinVar aggregate classification (germline): Uncertain significance (1 of 4 stars; one submission).

Conditions:
Atrioventricular septal defect 4 (AVSD4). Identifiers: MedGen C3280781, MONDO:0013747, OMIM 614430.

Allele frequency attached by ClinVar (database versions not stated): gnomAD 0.00001; TOPMed 0.00001.

Submission:

Labcorp Genetics (formerly Invitae), Labcorp
Classification: Uncertain significance for Atrioventricular septal defect 4. Last evaluated: 2025-03-30. Review status: criteria provided, single submitter. Criteria: Invitae Variant Classification Sherloc (09022015). Collection method: clinical testing. Allele origin: germline.
Comment: This sequence change replaces alanine, which is neutral and non-polar, with valine, which is neutral and non-polar, at codon 139 of the GATA4 protein (p.Ala139Val). This variant is not present in population databases (gnomAD no frequency). This variant has not been reported in the literature in individuals affected with GATA4-related conditions. ClinVar contains an entry for this variant (Variation ID: 2884178). Invitae Evidence Modeling of protein sequence and biophysical properties (such as structural, functional, and spatial information, amino acid conservation, physicochemical variation, residue mobility, and thermodynamic stability) indicates that this missense variant is not expected to disrupt GATA4 protein function with a negative predictive value of 95%. In summary, the available evidence is currently insufficient to determine the role of this variant in disease. Therefore, it has been classified as a Variant of Uncertain Significance.